The following is an entry in ClinVar:

ClinVar aggregate classification (germline): Pathogenic (1 of 4 stars; one submission).

Submission:

GeneDx
Classification: Pathogenic. Last evaluated: 2024-09-20. Review status: criteria provided, single submitter. Criteria: GeneDx Variant Classification Process June 2021. Collection method: clinical testing. Allele origin: germline. Affected: yes.
Comment: Frameshift variant predicted to result in protein truncation or nonsense mediated decay in a gene for which loss-of-function is a known mechanism of disease; Not observed at significant frequency in large population cohorts (gnomAD); Has not been previously published as pathogenic or benign to our knowledge

NM_001042492.3(NF1):c.2682dup (p.Met895fs)

Gene: NF1 (neurofibromin 1; plus strand). Cytogenetic location: 17q11.2.
Variant type: Duplication.
Coding change: c.2682dup on transcript NM_001042492.3 (MANE Select); coding-DNA position 2682, one base duplicated (T; older notation c.2682dupT).
Protein change: p.Met895fs; shifts the reading frame from methionine 895.
Molecular consequence: frameshift variant.
Genome position (GRCh38, 1-based): chr17:31,229,297, T duplicated; the last of 3 consecutive T bases (chr17:31,229,295-31,229,297); duplicating any one gives the same sequence. VCF-style (leftmost placement, unchanged base first): chr17-31229294-A-AT. GRCh37 (hg19) VCF-style: chr17-29556312-A-AT.
Other names: c.2682dup, p.Met895Tyrfs (NM_000267.4); short protein forms M895fs.
Identifiers: ClinVar variation 3773978 (VCV003773978.1).